The following is an entry in ClinVar:

NM_015338.6(ASXL1):c.4221C>G (p.Asp1407Glu)

Gene: ASXL1 (ASXL transcriptional regulator 1; plus strand). Cytogenetic location: 20q11.21.
Variant type: single nucleotide variant.
Coding change: c.4221C>G on transcript NM_015338.6 (MANE Select); coding-DNA position 4221, C replaced by G.
Protein change: p.Asp1407Glu; replaces aspartic acid 1407 with glutamic acid.
Molecular consequence: missense variant.
Genome position (GRCh38, 1-based): chr20:32,436,933, C>G. VCF-style: chr20-32436933-C-G. GRCh37 (hg19) VCF-style: chr20-31024736-C-G.
Other names: c.4038C>G, p.Asp1346Glu (NM_001363734.1); short protein forms D1346E, D1407E.
Identifiers: ClinVar variation 4158234 (VCV004158234.1).

ClinVar aggregate classification (germline): Uncertain significance (1 of 4 stars; one submission).

Conditions:
Inborn genetic diseases. Identifiers: MedGen C0950123, MeSH D030342.

Submission:

Ambry Genetics
Classification: Uncertain significance for Inborn genetic diseases. Last evaluated: 2025-07-14. Review status: criteria provided, single submitter. Criteria: Ambry Variant Classification Scheme 2023. Collection method: clinical testing. Allele origin: germline.
Comment: The p.D1407E variant (also known as c.4221C>G), located in coding exon 13 of the ASXL1 gene, results from a C to G substitution at nucleotide position 4221. The aspartic acid at codon 1407 is replaced by glutamic acid, an amino acid with highly similar properties. This amino acid position is conserved. In addition, this alteration is predicted to be tolerated by in silico analysis. Based on the available evidence, the clinical significance of this variant remains unclear.